The following is an entry in ClinVar:

ClinVar aggregate classification (germline): Uncertain significance (1 of 4 stars; one submission).

gnomAD v4.1: 97 of 1,610,894 alleles (0.006%); highest among the groups gnomAD compares: Non-Finnish European, 0.0078%; no homozygotes.

Submission:

Ambry Genetics
Classification: Uncertain significance. Last evaluated: 2026-02-17. Review status: criteria provided, single submitter. Criteria: Ambry Variant Classification Scheme 2023. Collection method: clinical testing. Allele origin: germline.
Comment: The c.2861G>T (p.G954V) alteration is located in exon 21 (coding exon 20) of the APAF1 gene. This alteration results from a G to T substitution at nucleotide position 2861, causing the glycine (G) at amino acid position 954 to be replaced by a valine (V). Based on data from gnomAD, the T allele has an overall frequency of 0.002% (6/282506) total alleles studied. The highest observed frequency was 0.014% (1/7214) of Other alleles. Based on insufficient or conflicting evidence, the clinical significance of this alteration remains unclear.

NM_181861.2(APAF1):c.2861G>T (p.Gly954Val)

Gene: APAF1 (apoptotic peptidase activating factor 1; plus strand). Cytogenetic location: 12q23.1.
Variant type: single nucleotide variant.
Coding change: c.2861G>T on transcript NM_181861.2 (MANE Select); coding-DNA position 2861, G replaced by T.
Protein change: p.Gly954Val; replaces glycine 954 with valine.
Molecular consequence: missense variant. On other transcripts: intron variant (1).
Genome position (GRCh38, 1-based): chr12:98,712,338, G>T. VCF-style: chr12-98712338-G-T. GRCh37 (hg19) VCF-style: chr12-99106116-G-T.
Other names: c.2699G>T, p.Gly900Val (NM_001160.3); c.2828G>T, p.Gly943Val (NM_013229.3); c.2732G>T, p.Gly911Val (NM_181868.2); c.956-20082G>T (NM_181869.2); short protein forms G911V, G900V, G954V, G943V.
Identifiers: ClinVar variation 4831850 (VCV004831850.1).